The following is an entry in ClinVar:

ClinVar aggregate classification (germline): Uncertain significance (1 of 4 stars; one submission).

gnomAD v4.1: 3 of 1,580,898 alleles (0.00019%); highest among the groups gnomAD compares: African/African-American, 0.0027%; no homozygotes.

Submission:

Labcorp Genetics (formerly Invitae), Labcorp
Classification: Uncertain significance. Last evaluated: 2025-06-06. Review status: criteria provided, single submitter. Criteria: Invitae Variant Classification Sherloc (09022015). Collection method: clinical testing. Allele origin: germline.
Comment: This sequence change replaces histidine, which is basic and polar, with arginine, which is basic and polar, at codon 492 of the ADAMTS17 protein (p.His492Arg). This variant is present in population databases (no rsID available, gnomAD 0.02%). This variant has not been reported in the literature in individuals affected with ADAMTS17-related conditions. An algorithm developed to predict the effect of missense changes on protein structure and function (PolyPhen-2) suggests that this variant is likely to be disruptive. In summary, the available evidence is currently insufficient to determine the role of this variant in disease. Therefore, it has been classified as a Variant of Uncertain Significance.

NM_139057.4(ADAMTS17):c.1475A>G (p.His492Arg)

Gene: ADAMTS17 (ADAM metallopeptidase with thrombospondin type 1 motif 17; minus strand). Cytogenetic location: 15q26.3.
Variant type: single nucleotide variant.
Coding change: c.1475A>G on transcript NM_139057.4 (MANE Select); coding-DNA position 1475, A replaced by G.
Protein change: p.His492Arg; replaces histidine 492 with arginine.
Molecular consequence: missense variant.
Genome position (GRCh38, 1-based): chr15:100,133,314, T>C on the plus strand (A>G on the coding strand, the complement: ADAMTS17 is on the minus strand). VCF-style: chr15-100133314-T-C. GRCh37 (hg19) VCF-style: chr15-100673519-T-C.
Other names: short protein forms H492R.
Identifiers: ClinVar variation 4779924 (VCV004779924.1).